The following is an entry in ClinVar:

ClinVar aggregate classification (germline): Uncertain significance (1 of 4 stars; one submission).

Submission:

GeneDx
Classification: Uncertain significance. Last evaluated: 2026-01-28. Review status: criteria provided, single submitter. Criteria: GeneDx Variant Classification Process June 2021. Collection method: clinical testing. Allele origin: germline. Affected: yes.
Comment: Not observed at significant frequency in large population cohorts (gnomAD); In silico analysis supports that this missense variant has a deleterious effect on protein structure/function; Has not been previously published as pathogenic or benign to our knowledge

NM_001297595.2(SIN3B):c.286C>T (p.Leu96Phe)

Gene: SIN3B (SIN3 transcription regulator family member B; plus strand). Cytogenetic location: 19p13.11.
Variant type: single nucleotide variant.
Coding change: c.286C>T on transcript NM_001297595.2 (MANE Select); coding-DNA position 286, C replaced by T.
Protein change: p.Leu96Phe; replaces leucine 96 with phenylalanine.
Molecular consequence: missense variant.
Genome position (GRCh38, 1-based): chr19:16,831,552, C>T. VCF-style: chr19-16831552-C-T. GRCh37 (hg19) VCF-style: chr19-16942363-C-T.
Other names: c.286C>T, p.Leu96Phe (NM_015260.4); short protein forms L96F.
Identifiers: ClinVar variation 2504442 (VCV002504442.2), dbSNP rs2513024454, ClinGen allele CA404637227.